The following is an entry in ClinVar:

NM_002693.3(POLG):c.1743C>T (p.Asp581=)

Gene: POLG (DNA polymerase gamma, catalytic subunit; minus strand). Cytogenetic location: 15q26.1.
Variant type: single nucleotide variant.
Coding change: c.1743C>T on transcript NM_002693.3 (MANE Select); coding-DNA position 1743, C replaced by T.
Protein change: p.Asp581=; no amino-acid change (aspartic acid 581 retained).
Molecular consequence: synonymous variant.
Genome position (GRCh38, 1-based): chr15:89,325,656, G>A on the plus strand (C>T on the coding strand, the complement: POLG is on the minus strand). VCF-style: chr15-89325656-G-A. GRCh37 (hg19) VCF-style: chr15-89868887-G-A.
Other names: p.D581D:GAC>GAT; c.1743C>T, p.Asp581= (NM_001126131.2).
Identifiers: ClinVar variation 138779 (VCV000138779.49), dbSNP rs140743000, ClinGen allele CA292880.

ClinVar aggregate classification (germline): Conflicting classifications of pathogenicity. Review status: criteria provided, conflicting classifications (1 of 4 stars). 10 submissions from 10 submitters: Uncertain significance (1); Benign (2); Likely benign (6). 1 of the submissions does not count toward it. Last evaluated 2026-02-03.

Conditions:
Inborn genetic diseases. Identifiers: MedGen C0950123, MeSH D030342.
POLG-related disorder. Also called: POLG-Related Spectrum Disorders; POLG-related condition; POLG-Related Disorders. Identifiers: MedGen C4763519.
Progressive sclerosing poliodystrophy (MTDPS4A). Also called: Alpers Syndrome; ALPERS DIFFUSE DEGENERATION OF CEREBRAL GRAY MATTER WITH HEPATIC CIRRHOSIS; Alpers-Huttenlocher Syndrome; Mitochondrial DNA depletion syndrome 4A (Alpers type); Mitochondrial DNA Depletion Syndrome 4A; Alpers-Huttenlocher Syndrome (AHS). Identifiers: Orphanet 726, MedGen C0205710, MONDO:0008758, OMIM 203700.

Allele frequency attached by ClinVar (database versions not stated): gnomAD 0.00006 and 0.00019; TOPMed 0.00006; ESP Exome Variant Server 0.00015; gnomAD exomes 0.00031 and 0.00060; ExAC 0.00063; 1000 Genomes Project 30x 0.00094; 1000 Genomes Project 0.00120.
gnomAD v4.1: 493 of 1,610,798 alleles (0.031%); highest among the groups gnomAD compares: South Asian, 0.45%; 2 homozygotes.

Submissions (10):

Labcorp Genetics (formerly Invitae), Labcorp
Classification: Benign for Progressive sclerosing poliodystrophy. Last evaluated: 2026-02-03. Review status: criteria provided, single submitter. Criteria: Invitae Variant Classification Sherloc (09022015). Collection method: clinical testing. Allele origin: germline.

CeGaT Center for Human Genetics Tuebingen
Classification: Likely benign. Last evaluated: 2025-11-01. Review status: criteria provided, single submitter. Criteria: CeGaT Center For Human Genetics Tuebingen Variant Classification Criteria Version 2. Collection method: clinical testing. Allele origin: germline. Affected: yes. Observed: 2 variant alleles.
Comment: POLG: BP4, BP7

Blueprint Genetics
Classification: Likely benign. Last evaluated: 2024-11-13. Review status: criteria provided, single submitter. Criteria: ACMG Guidelines, 2015. Collection method: clinical testing. Allele origin: germline.

Athena Diagnostics
Classification: Likely benign. Last evaluated: 2024-06-12. Review status: criteria provided, single submitter. Criteria: Athena Diagnostics Criteria. Collection method: clinical testing. Allele origin: unknown.

Wong Mito Lab, Molecular and Human Genetics, Baylor College of Medicine
Classification: Likely benign for Progressive sclerosing poliodystrophy. Last evaluated: 2018-10-01. Review status: criteria provided, single submitter. Criteria: ACMG Guidelines, 2015. Collection method: clinical testing. Allele origin: germline.
Comment: The NM_002693.2:c.1743C>T (NP_002684.1:p.Asp581=) [GRCH38: NC_000015.10:g.89325656G>A] variant in POLG gene is interpretated to be a Likely Benign based on ACMG guidelines (PMID: 25741868). This variant meets the following evidence codes reported in the ACMG-guideline. BS1:The minor allele frequency of this allele is high for Mitochondrial DNA depletion syndrome 4A (Alpers type). BP4:Computational evidence/predictors indicate no impact on the POLG structure, function, or protein-protein interaction. BP7:The variant is silent with non predicted splice impact. Based on the evidence criteria codes applied, the variant is suggested to be Likely Benign.

Illumina Laboratory Services, Illumina
Classification: Uncertain significance for POLG-Related Spectrum Disorders. Last evaluated: 2018-01-12. Review status: criteria provided, single submitter. Criteria: ICSL Variant Classification Criteria 13 December 2019. Collection method: clinical testing. Allele origin: germline.

Eurofins Ntd Llc (ga)
Classification: Likely benign. Last evaluated: 2017-08-15. Review status: criteria provided, single submitter. Criteria: EGL Classification Definitions 2015. Collection method: clinical testing. Allele origin: germline. Observed: 1 variant allele, 1 heterozygote.

Ambry Genetics
Classification: Likely benign for Inborn genetic diseases. Last evaluated: 2016-10-31. Review status: criteria provided, single submitter. Criteria: Ambry Variant Classification Scheme 2023. Collection method: clinical testing. Allele origin: germline.

GeneDx
Classification: Benign. Last evaluated: 2013-11-07. Review status: criteria provided, single submitter. Criteria: GeneDx Variant Classification (06012015). Collection method: clinical testing. Allele origin: germline. Affected: yes.
Comment: This variant is considered likely benign or benign based on one or more of the following criteria: it is a conservative change, it occurs at a poorly conserved position in the protein, it is predicted to be benign by multiple in silico algorithms, and/or has population frequency not consistent with disease.

PreventionGenetics, part of Exact Sciences
Classification: Likely benign for POLG-related condition. Last evaluated: 2020-03-03. Review status: no assertion criteria provided. Collection method: clinical testing. Allele origin: germline. Not counted in ClinVar's aggregate classification.
Comment: This variant is classified as likely benign based on ACMG/AMP sequence variant interpretation guidelines (Richards et al. 2015 PMID: 25741868, with internal and published modifications).